The following is an entry in ClinVar:

NM_001379291.1(BRD4):c.1574T>C (p.Leu525Pro)

Gene: BRD4 (bromodomain containing 4; minus strand). Cytogenetic location: 19p13.12.
Variant type: single nucleotide variant.
Coding change: c.1574T>C on transcript NM_001379291.1 (MANE Select); coding-DNA position 1574, T replaced by C.
Protein change: p.Leu525Pro; replaces leucine 525 with proline.
Molecular consequence: missense variant.
Genome position (GRCh38, 1-based): chr19:15,256,241, A>G on the plus strand (T>C on the coding strand, the complement: BRD4 is on the minus strand). VCF-style: chr19-15256241-A-G. GRCh37 (hg19) VCF-style: chr19-15367052-A-G.
Other names: c.1574T>C, p.Leu525Pro (NM_001330384.2, NM_001379292.1, NM_014299.3 and 1 more transcripts); short protein forms L525P.
Identifiers: ClinVar variation 3368533 (VCV003368533.1).

ClinVar aggregate classification (germline): Uncertain significance (1 of 4 stars; one submission).

Submission:

GeneDx
Classification: Uncertain significance. Last evaluated: 2024-01-30. Review status: criteria provided, single submitter. Criteria: GeneDx Variant Classification Process June 2021. Collection method: clinical testing. Allele origin: germline. Affected: yes.
Comment: Not observed at significant frequency in large population cohorts (gnomAD); In silico analysis supports that this missense variant has a deleterious effect on protein structure/function; Has not been previously published as pathogenic or benign to our knowledge